The following is an entry in ClinVar:

NM_004371.4(COPA):c.2318G>A (p.Ser773Asn)

Gene: COPA (coat protein complex I subunit alpha; minus strand). Cytogenetic location: 1q23.2.
Variant type: single nucleotide variant.
Coding change: c.2318G>A on transcript NM_004371.4 (MANE Select); coding-DNA position 2318, G replaced by A.
Protein change: p.Ser773Asn; replaces serine 773 with asparagine.
Molecular consequence: missense variant.
Genome position (GRCh38, 1-based): chr1:160,296,095, C>T on the plus strand (G>A on the coding strand, the complement: COPA is on the minus strand). VCF-style: chr1-160296095-C-T. GRCh37 (hg19) VCF-style: chr1-160265885-C-T.
Other names: c.2345G>A, p.Ser782Asn (NM_001098398.2); short protein forms S773N, S782N.
Identifiers: ClinVar variation 4799631 (VCV004799631.1).

ClinVar aggregate classification (germline): Uncertain significance (1 of 4 stars; one submission).

Conditions:
Autoimmune interstitial lung disease-arthritis syndrome. Also called: Autoinflammation and autoimmunity, systemic, with immune dysregulation. Identifiers: Orphanet 444092, MedGen C5975714, MONDO:0014629.

Submission:

Labcorp Genetics (formerly Invitae), Labcorp
Classification: Uncertain significance for Autoimmune interstitial lung disease-arthritis syndrome. Last evaluated: 2025-12-31. Review status: criteria provided, single submitter. Criteria: Invitae Variant Classification Sherloc (09022015). Collection method: clinical testing. Allele origin: germline.
Comment: This sequence change replaces serine, which is neutral and polar, with asparagine, which is neutral and polar, at codon 773 of the COPA protein (p.Ser773Asn). This variant is not present in population databases (gnomAD no frequency). This variant has not been reported in the literature in individuals affected with COPA-related conditions. Invitae Evidence Modeling of protein sequence and biophysical properties (such as structural, functional, and spatial information, amino acid conservation, physicochemical variation, residue mobility, and thermodynamic stability) indicates that this missense variant is not expected to disrupt COPA protein function with a negative predictive value of 80%. In summary, the available evidence is currently insufficient to determine the role of this variant in disease. Therefore, it has been classified as a Variant of Uncertain Significance.